The following is an entry in ClinVar:

ClinVar aggregate classification (germline): Uncertain significance (1 of 4 stars; one submission).

Allele frequency attached by ClinVar (database versions not stated): gnomAD exomes below 0.00001; ExAC 0.00001; gnomAD 0.00007; TOPMed 0.00011.
gnomAD v4.1: 16 of 1,560,736 alleles (0.001%); highest among the groups gnomAD compares: African/African-American, 0.02%; no homozygotes.

Submission:

Labcorp Genetics (formerly Invitae), Labcorp
Classification: Uncertain significance. Last evaluated: 2023-12-22. Review status: criteria provided, single submitter. Criteria: Invitae Variant Classification Sherloc (09022015). Collection method: clinical testing. Allele origin: germline.
Comment: This sequence change replaces glutamic acid, which is acidic and polar, with lysine, which is basic and polar, at codon 1099 of the RIMS1 protein (p.Glu1099Lys). This variant is present in population databases (rs754339449, gnomAD 0.03%). This variant has not been reported in the literature in individuals affected with RIMS1-related conditions. ClinVar contains an entry for this variant (Variation ID: 1923184). An algorithm developed to predict the effect of missense changes on protein structure and function (PolyPhen-2) suggests that this variant is likely to be tolerated. Algorithms developed to predict the effect of sequence changes on RNA splicing suggest that this variant may disrupt the consensus splice site. In summary, the available evidence is currently insufficient to determine the role of this variant in disease. Therefore, it has been classified as a Variant of Uncertain Significance.

NM_014989.7(RIMS1):c.3295G>A (p.Glu1099Lys)

Gene: RIMS1 (regulating synaptic membrane exocytosis 1; plus strand). Cytogenetic location: 6q13.
Variant type: single nucleotide variant.
Coding change: c.3295G>A on transcript NM_014989.7 (MANE Select); coding-DNA position 3295, G replaced by A.
Protein change: p.Glu1099Lys; replaces glutamic acid 1099 with lysine.
Molecular consequence: missense variant. On other transcripts: intron variant (62).
Genome position (GRCh38, 1-based): chr6:72,265,490, G>A. VCF-style: chr6-72265490-G-A. GRCh37 (hg19) VCF-style: chr6-72975193-G-A.
Other names: c.1714G>A, p.Glu572Lys (NM_001350436.2); c.1470-470G>A (NM_001350428.2, NM_001350459.2, NM_001350424.2 and 1 more transcripts); c.1467-470G>A (NM_001350437.2, NM_001350430.2, NM_001350421.2 and 1 more transcripts); c.1616+438G>A (NM_001350458.2); c.1539-470G>A (NM_001350433.2, NM_001350446.2, NM_001350442.2 and 8 more transcripts); c.1538+4723G>A (NM_001350431.2); c.1476-470G>A (NM_001350457.2); c.1475+6379G>A (NM_001350460.2, NM_001350426.2, NM_001350429.2 and 1 more transcripts); and 14 more; short protein forms E1099K, E572K.
Identifiers: ClinVar variation 1923184 (VCV001923184.5), dbSNP rs754339449, ClinGen allele CA3886194.